The following is an entry in ClinVar:

NM_001927.4(DES):c.386T>A (p.Leu129Gln)

Gene: DES (desmin; plus strand). Cytogenetic location: 2q35.
Variant type: single nucleotide variant.
Coding change: c.386T>A on transcript NM_001927.4 (MANE Select); coding-DNA position 386, T replaced by A.
Protein change: p.Leu129Gln; replaces leucine 129 with glutamine.
Molecular consequence: missense variant.
Genome position (GRCh38, 1-based): chr2:219,418,848, T>A. VCF-style: chr2-219418848-T-A. GRCh37 (hg19) VCF-style: chr2-220283570-T-A.
Other names: c.386T>A, p.Leu129Gln (NM_001382708.1, NM_001382709.1, NM_001382710.1 and 3 more transcripts); short protein forms L129Q.
Identifiers: ClinVar variation 4686936 (VCV004686936.1).
Genomic context (GRCh38, chr2:219,418,848, plus strand): 5'-AGGTGGAGCTGCAGGAGCTCAATGACCGCTTCGCCAACTACATCGAGAAGGTGCGCTTCC[T>A]GGAGCAGCAGAACGCGGCGCTCGCCGCCGAAGTGAACCGGCTCAAGGGCCGCGAGCCGAC-3'
Protein context (NP_001918.3, residues 119-139): FANYIEKVRF[Leu129Gln]EQQNAALAAE

ClinVar aggregate classification (germline): Uncertain significance (1 of 4 stars; one submission).

Submission:

GeneDx
Classification: Uncertain significance. Last evaluated: 2025-07-20. Review status: criteria provided, single submitter. Criteria: GeneDx Variant Classification Process June 2021. Collection method: clinical testing. Allele origin: germline. Affected: yes.
Comment: Not observed at significant frequency in large population cohorts (gnomAD); In silico analysis supports that this missense variant has a deleterious effect on protein structure/function; Has not been previously published as pathogenic or benign to our knowledge; This variant is associated with the following publications: (PMID: 26807690)